The following is an entry in ClinVar:

NM_004168.4(SDHA):c.310_311del (p.Gln104fs)

Gene: SDHA (succinate dehydrogenase complex flavoprotein subunit A; plus strand). Cytogenetic location: 5p15.33.
Variant type: Microsatellite.
Coding change: c.310_311del on transcript NM_004168.4 (MANE Select); coding-DNA positions 310 to 311, 2 bases deleted (CA; older notation c.310_311delCA).
Protein change: p.Gln104fs; shifts the reading frame from glutamine 104.
Molecular consequence: frameshift variant.
Genome position (GRCh38, 1-based): chr5:224,519-224,520, CA deleted; deleting any 2 consecutive bases within chr5:224,517-224,520 gives the same sequence; the c. name uses the placement nearest the transcript's 3' end. VCF-style (leftmost placement, unchanged base first): chr5-224516-GCA-G. GRCh37 (hg19) VCF-style: chr5-224631-GCA-G.
Other names: c.310_311del, p.Gln104fs (NM_001294332.2, NM_001330758.2); short protein forms Q104fs.
Identifiers: ClinVar variation 3316846 (VCV003316846.4).

ClinVar aggregate classification (germline): Pathogenic. Review status: criteria provided, multiple submitters, no conflicts (2 of 4 stars). 3 submissions from 3 submitters: Pathogenic (3). Last evaluated 2025-05-05.

Conditions:
Mitochondrial complex II deficiency, nuclear type 1. Also called: SUCCINATE CoQ REDUCTASE DEFICIENCY. Identifiers: Orphanet 3208, MedGen C5700310, MONDO:0100294, OMIM 252011.
Pheochromocytoma/paraganglioma syndrome 5. Also called: Paragangliomas 5; SDHA-Related Hereditary Paraganglioma-Pheochromocytoma Syndrome. Identifiers: Orphanet 29072, MedGen C3279992, MONDO:0013602, OMIM 614165.
Hereditary cancer-predisposing syndrome. Also called: Tumor predisposition; Hereditary Cancer Syndrome; Neoplastic Syndromes, Hereditary; Hereditary neoplastic syndrome. Identifiers: Orphanet 140162, MedGen C0027672, MeSH D009386, MONDO:0015356.

Submissions (3):

Myriad Genetics, Inc.
Classification: Pathogenic for Pheochromocytoma/paraganglioma syndrome 5. Last evaluated: 2025-05-05. Review status: criteria provided, single submitter. Criteria: Myriad Autosomal Dominant, Autosomal Recessive and X-Linked Classification Criteria (2023). Collection method: clinical testing. Allele origin: unknown.
Comment: This variant is considered pathogenic. This variant creates a frameshift predicted to result in premature protein truncation.

Labcorp Genetics (formerly Invitae), Labcorp
Classification: Pathogenic for Pheochromocytoma/paraganglioma syndrome 5; Mitochondrial complex II deficiency, nuclear type 1. Last evaluated: 2024-07-11. Review status: criteria provided, single submitter. Criteria: Invitae Variant Classification Sherloc (09022015). Collection method: clinical testing. Allele origin: germline.
Comment: This sequence change creates a premature translational stop signal (p.Gln104Glyfs*57) in the SDHA gene. It is expected to result in an absent or disrupted protein product. Loss-of-function variants in SDHA are known to be pathogenic (PMID: 22974104, 24781757). This variant is not present in population databases (gnomAD no frequency). This variant has not been reported in the literature in individuals affected with SDHA-related conditions. For these reasons, this variant has been classified as Pathogenic.

Ambry Genetics
Classification: Pathogenic for Hereditary cancer-predisposing syndrome. Last evaluated: 2024-05-16. Review status: criteria provided, single submitter. Criteria: Ambry Variant Classification Scheme 2023. Collection method: clinical testing. Allele origin: germline.
Comment: The c.310_311delCA pathogenic mutation, located in coding exon 3 of the SDHA gene, results from a deletion of two nucleotides at nucleotide positions 310 to 311, causing a translational frameshift with a predicted alternate stop codon (p.Q104Gfs*57). This variant is considered to be rare based on population cohorts in the Genome Aggregation Database (gnomAD). This alteration is expected to result in loss of function by premature protein truncation or nonsense-mediated mRNA decay. As such, this alteration is interpreted as a disease-causing mutation.

Literature cited by the submitters: PubMed 22974104 (cited by Labcorp Genetics (formerly Invitae), Labcorp); PubMed 24781757 (cited by Labcorp Genetics (formerly Invitae), Labcorp).